The following is an entry in ClinVar:

ClinVar aggregate classification (germline): Uncertain significance (1 of 4 stars; one submission).

Conditions:
Gamma-aminobutyric acid transaminase deficiency (GABATD). Also called: 4 alpha aminobutyrate transaminase deficiency; GABA transaminase deficiency; Gamma aminobutyrate transaminase deficiency; GABA aminotransaminase deficiency. Identifiers: Orphanet 2066, MedGen C0342708, MONDO:0013166, OMIM 613163.

gnomAD v4.1: 1 of 1,614,138 alleles (0.000062%); highest among the groups gnomAD compares: Non-Finnish European, 0.000085%; no homozygotes.

Submission:

Labcorp Genetics (formerly Invitae), Labcorp
Classification: Uncertain significance for Gamma-aminobutyric acid transaminase deficiency. Last evaluated: 2022-07-27. Review status: criteria provided, single submitter. Criteria: Invitae Variant Classification Sherloc (09022015). Collection method: clinical testing. Allele origin: germline.
Comment: In summary, the available evidence is currently insufficient to determine the role of this variant in disease. Therefore, it has been classified as a Variant of Uncertain Significance. Algorithms developed to predict the effect of missense changes on protein structure and function are either unavailable or do not agree on the potential impact of this missense change (SIFT: "Deleterious"; PolyPhen-2: "Probably Damaging"; Align-GVGD: "Class C0"). This variant has not been reported in the literature in individuals affected with ABAT-related conditions. This variant is not present in population databases (gnomAD no frequency). This sequence change replaces aspartic acid, which is acidic and polar, with histidine, which is basic and polar, at codon 443 of the ABAT protein (p.Asp443His).

NM_020686.6(ABAT):c.1327G>C (p.Asp443His)

Gene: ABAT (4-aminobutyrate aminotransferase; plus strand). Cytogenetic location: 16p13.2.
Variant type: single nucleotide variant.
Coding change: c.1327G>C on transcript NM_020686.6 (MANE Select); coding-DNA position 1327, G replaced by C.
Protein change: p.Asp443His; replaces aspartic acid 443 with histidine.
Molecular consequence: missense variant. On other transcripts: intron variant (1).
Genome position (GRCh38, 1-based): chr16:8,779,536, G>C. VCF-style: chr16-8779536-G-C. GRCh37 (hg19) VCF-style: chr16-8873393-G-C.
Other names: c.1327G>C, p.Asp443His (NM_000663.5, NM_001127448.2, NM_001386600.1 and 5 more transcripts); c.1288G>C, p.Asp430His (NM_001386605.1); c.1264G>C, p.Asp422His (NM_001386606.1, NM_001386607.1); c.1234G>C, p.Asp412His (NM_001386608.1); c.1192G>C, p.Asp398His (NM_001386610.1, NM_001386611.1); c.1129G>C, p.Asp377His (NM_001386612.1, NM_001386613.1); c.1081G>C, p.Asp361His (NM_001386614.1); c.1423G>C, p.Asp475His (NM_001386615.1); and 1 more; short protein forms D361H, D377H, D398H, D412H, D422H, D430H, D443H, D475H.
Identifiers: ClinVar variation 1720132 (VCV001720132.6), dbSNP rs750680169, ClinGen allele CA394690569.
Genomic context (GRCh38, chr16:8,779,536, plus strand): 5'-CAGGCCCGGTACCCCCAGTTCATCAGCAGGGTGAGAGGACGAGGCACCTTTTGCTCCTTC[G>C]ATACTCCCGATGATTCCATACGGAATAAGCTCATTTTAATTGCCAGAAACAAAGGTAAGG-3'
Protein context (NP_065737.2, residues 433-453): VRGRGTFCSF[Asp443His]TPDDSIRNKL